The following is an entry in ClinVar:

ClinVar aggregate classification (germline): Uncertain significance (1 of 4 stars; one submission).

Submission:

Labcorp Genetics (formerly Invitae), Labcorp
Classification: Uncertain significance. Last evaluated: 2021-04-30. Review status: criteria provided, single submitter. Criteria: Invitae Variant Classification Sherloc (09022015). Collection method: clinical testing. Allele origin: germline.
Comment: This sequence change replaces glycine with aspartic acid at codon 267 of the PPP2R5D protein (p.Gly267Asp). The glycine residue is highly conserved and there is a moderate physicochemical difference between glycine and aspartic acid. In summary, the available evidence is currently insufficient to determine the role of this variant in disease. Therefore, it has been classified as a Variant of Uncertain Significance. Algorithms developed to predict the effect of missense changes on protein structure and function (SIFT, PolyPhen-2, Align-GVGD) all suggest that this variant is likely to be disruptive, but these predictions have not been confirmed by published functional studies and their clinical significance is uncertain. This variant has not been reported in the literature in individuals with PPP2R5D-related conditions. This variant is not present in population databases (ExAC no frequency).

NM_006245.4(PPP2R5D):c.800G>A (p.Gly267Asp)

Gene: PPP2R5D (protein phosphatase 2 regulatory subunit B'delta; plus strand). Cytogenetic location: 6p21.1.
Variant type: single nucleotide variant.
Coding change: c.800G>A on transcript NM_006245.4 (MANE Select); coding-DNA position 800, G replaced by A.
Protein change: p.Gly267Asp; replaces glycine 267 with aspartic acid.
Molecular consequence: missense variant.
Genome position (GRCh38, 1-based): chr6:43,008,008, G>A. VCF-style: chr6-43008008-G-A. GRCh37 (hg19) VCF-style: chr6-42975746-G-A.
Other names: c.347G>A, p.Gly116Asp (NM_001270476.2); c.704G>A, p.Gly235Asp (NM_180976.3); c.482G>A, p.Gly161Asp (NM_180977.3); short protein forms G161D, G267D, G235D, G116D.
Identifiers: ClinVar variation 1350324 (VCV001350324.8), dbSNP rs2150279831, ClinGen allele CA364189721.